The following is an entry in ClinVar:

NM_000432.4(MYL2):c.403-3C>A

Gene: MYL2 (myosin light chain 2; minus strand). Cytogenetic location: 12q24.11.
Variant type: single nucleotide variant.
Coding change: c.403-3C>A on transcript NM_000432.4 (MANE Select); 3 bases into the intron before coding-DNA position 403, C replaced by A.
Molecular consequence: intron variant.
Genome position (GRCh38, 1-based): chr12:110,911,178, G>T on the plus strand (C>A on the coding strand, the complement: MYL2 is on the minus strand). VCF-style: chr12-110911178-G-T. GRCh37 (hg19) VCF-style: chr12-111348982-G-T.
Other names: c.346-3C>A (NM_001406916.1); c.361-3C>A (NM_001406745.1).
Identifiers: ClinVar variation 2972663 (VCV002972663.4), dbSNP rs1000171476, ClinGen allele CA2740092605.

ClinVar aggregate classification (germline): Uncertain significance. Review status: criteria provided, multiple submitters, no conflicts (2 of 4 stars). 2 submissions from 2 submitters: Uncertain significance (2). Last evaluated 2024-04-03.

Conditions:
Hypertrophic cardiomyopathy. Also called: HYPERTROPHIC MYOCARDIOPATHY. Identifiers: Orphanet 217569, MedGen C0007194, MeSH D002312, MONDO:0005045, HP:0001639.
Hypertrophic cardiomyopathy 10. Also called: CARDIOMYOPATHY, HYPERTROPHIC, MID-LEFT VENTRICULAR CHAMBER TYPE, 2; MYL2-Related Familial Hypertrophic Cardiomyopathy. Identifiers: MedGen C1834460, MONDO:0012112, OMIM 608758.

Submissions (2):

Labcorp Genetics (formerly Invitae), Labcorp
Classification: Uncertain significance for Hypertrophic cardiomyopathy 10. Last evaluated: 2024-04-03. Review status: criteria provided, single submitter. Criteria: Invitae Variant Classification Sherloc (09022015). Collection method: clinical testing. Allele origin: germline.
Comment: This sequence change falls in intron 6 of the MYL2 gene. It does not directly change the encoded amino acid sequence of the MYL2 protein. It affects a nucleotide within the consensus splice site. This variant is not present in population databases (gnomAD no frequency). This variant has not been reported in the literature in individuals affected with MYL2-related conditions. Variants that disrupt the consensus splice site are a relatively common cause of aberrant splicing (PMID: 17576681, 9536098). Algorithms developed to predict the effect of sequence changes on RNA splicing suggest that this variant may disrupt the consensus splice site. In summary, the available evidence is currently insufficient to determine the role of this variant in disease. Therefore, it has been classified as a Variant of Uncertain Significance.

All of Us Research Program, National Institutes of Health
Classification: Uncertain significance for Hypertrophic cardiomyopathy. Last evaluated: 2023-12-18. Review status: criteria provided, single submitter. Criteria: ACMG Guidelines, 2015. Collection method: clinical testing. Allele origin: germline. Inheritance: Autosomal dominant inheritance. Observed: 1 variant allele, 1 heterozygote.
Comment: This variant causes a C to A nucleotide substitution at the -3 position of intron 6 of the MYL2 gene. Splice site prediction tools predict that this variant may have a significant impact on RNA splicing. Although this prediction has not been confirmed in published RNA studies, this variant is expected to result in an absent or disrupted protein product. To our knowledge, functional studies have not been reported for this variant. This variant has not been reported in individuals affected with MYL2-related disorders in the literature. This variant has not been identified in the general population by the Genome Aggregation Database (gnomAD). The available evidence is insufficient to determine the role of this variant in disease conclusively. Therefore, this variant is classified as a Variant of Uncertain Significance.

This study involves interpretation of variants in research participants for the purpose of population health screening. Participant phenotype was not available at the time of variant classification. Additional details can be found in publication PMID: 35346344, PMCID: PMC8962531

Literature cited by the submitters: PubMed 17576681 (cited by Labcorp Genetics (formerly Invitae), Labcorp); PubMed 9536098 (cited by Labcorp Genetics (formerly Invitae), Labcorp).